The following is an entry in ClinVar:

ClinVar aggregate classification (germline): Uncertain significance. Review status: criteria provided, multiple submitters, no conflicts (2 of 4 stars). 2 submissions from 2 submitters: Uncertain significance (2). Last evaluated 2025-11-30.

Allele frequency attached by ClinVar (database versions not stated): ExAC 0.00002; gnomAD 0.00004 and 0.00005; gnomAD exomes 0.00004; TOPMed 0.00004; 1000 Genomes Project 30x 0.00016; 1000 Genomes Project 0.00020.
gnomAD v4.1: 73 of 1,612,684 alleles (0.0045%); highest among the groups gnomAD compares: South Asian, 0.0099%; no homozygotes.

Submissions (2):

Labcorp Genetics (formerly Invitae), Labcorp
Classification: Uncertain significance. Last evaluated: 2025-11-30. Review status: criteria provided, single submitter. Criteria: Invitae Variant Classification Sherloc (09022015). Collection method: clinical testing. Allele origin: germline.
Comment: This sequence change replaces arginine, which is basic and polar, with glutamine, which is neutral and polar, at codon 2066 of the HMCN1 protein (p.Arg2066Gln). This variant is present in population databases (rs555321850, gnomAD 0.006%). This variant has not been reported in the literature in individuals affected with HMCN1-related conditions. ClinVar contains an entry for this variant (Variation ID: 1492893). An algorithm developed to predict the effect of missense changes on protein structure and function (PolyPhen-2) suggests that this variant is likely to be disruptive. Algorithms developed to predict the effect of sequence changes on RNA splicing suggest that this variant may disrupt the consensus splice site. In summary, the available evidence is currently insufficient to determine the role of this variant in disease. Therefore, it has been classified as a Variant of Uncertain Significance.

Ambry Genetics
Classification: Uncertain significance. Last evaluated: 2023-10-20. Review status: criteria provided, single submitter. Criteria: Ambry Variant Classification Scheme 2023. Collection method: clinical testing. Allele origin: germline.

NM_031935.3(HMCN1):c.6197G>A (p.Arg2066Gln)

Gene: HMCN1 (hemicentin 1; plus strand). Cytogenetic location: 1q31.1.
Variant type: single nucleotide variant.
Coding change: c.6197G>A on transcript NM_031935.3 (MANE Select); coding-DNA position 6197, G replaced by A.
Protein change: p.Arg2066Gln; replaces arginine 2066 with glutamine.
Molecular consequence: missense variant.
Genome position (GRCh38, 1-based): chr1:186,041,029, G>A. VCF-style: chr1-186041029-G-A. GRCh37 (hg19) VCF-style: chr1-186010161-G-A.
Other names: c.6197G>A (NM_031935.2); short protein forms R2066Q.
Identifiers: ClinVar variation 1492893 (VCV001492893.7), dbSNP rs555321850, ClinGen allele CA1292491.